The following is an entry in ClinVar:

ClinVar aggregate classification (germline): Uncertain significance (1 of 4 stars; one submission).

gnomAD v4.1: 27 of 1,519,474 alleles (0.0018%); highest among the groups gnomAD compares: Non-Finnish European, 0.00088%; no homozygotes.

Submission:

Labcorp Genetics (formerly Invitae), Labcorp
Classification: Uncertain significance. Last evaluated: 2025-10-24. Review status: criteria provided, single submitter. Criteria: Invitae Variant Classification Sherloc (09022015). Collection method: clinical testing. Allele origin: germline.
Comment: This sequence change replaces arginine, which is basic and polar, with leucine, which is neutral and non-polar, at codon 39 of the IMPDH1 protein (p.Arg39Leu). The frequency data for this variant in the population databases is considered unreliable, as metrics indicate poor data quality at this position in the gnomAD database. This variant has not been reported in the literature in individuals affected with IMPDH1-related conditions. An algorithm developed to predict the effect of missense changes on protein structure and function (PolyPhen-2) suggests that this variant is likely to be tolerated. In summary, the available evidence is currently insufficient to determine the role of this variant in disease. Therefore, it has been classified as a Variant of Uncertain Significance.

NM_000883.4(IMPDH1):c.116G>T (p.Arg39Leu)

Genes: IMPDH1 (inosine monophosphate dehydrogenase 1; minus strand), LOC129999258 (ATAC-STARR-seq lymphoblastoid silent region 18606; plus strand). Cytogenetic location: 7q32.1.
Variant type: single nucleotide variant.
Coding change: c.116G>T on transcript NM_000883.4 (MANE Select); coding-DNA position 116, G replaced by T.
Protein change: p.Arg39Leu; replaces arginine 39 with leucine.
Molecular consequence: missense variant.
Genome position (GRCh38, 1-based): chr7:128,409,786, C>A on the plus strand (G>T on the coding strand, the complement: IMPDH1 is on the minus strand). VCF-style: chr7-128409786-C-A. GRCh37 (hg19) VCF-style: chr7-128049840-C-A.
Other names: c.116G>T, p.Arg39Leu (NM_001102605.2, NM_001142576.2, NM_001304521.2 and 1 more transcripts); short protein forms R39L.
Identifiers: ClinVar variation 4806856 (VCV004806856.1).